The following is an entry in ClinVar:

NM_000393.5(COL5A2):c.3705T>C (p.Asp1235=)

Gene: COL5A2 (collagen type V alpha 2 chain; minus strand). Cytogenetic location: 2q32.2.
Variant type: single nucleotide variant.
Coding change: c.3705T>C on transcript NM_000393.5 (MANE Select); coding-DNA position 3705, T replaced by C.
Protein change: p.Asp1235=; no amino-acid change (aspartic acid 1235 retained).
Molecular consequence: synonymous variant.
Genome position (GRCh38, 1-based): chr2:189,039,492, A>G on the plus strand (T>C on the coding strand, the complement: COL5A2 is on the minus strand). VCF-style: chr2-189039492-A-G. GRCh37 (hg19) VCF-style: chr2-189904218-A-G.
Identifiers: ClinVar variation 392146 (VCV000392146.2), dbSNP rs1057524370, ClinGen allele CA16604287.

ClinVar aggregate classification (germline): Likely benign. Review status: criteria provided, multiple submitters, no conflicts (2 of 4 stars). 2 submissions from 2 submitters: Likely benign (2). Last evaluated 2024-10-22.

Conditions:
Familial thoracic aortic aneurysm and aortic dissection (TAAD). Also called: Thoracic aortic aneurysms and dissections. Identifiers: Orphanet 91387, MedGen C4707243, MONDO:0019625.

Allele frequency attached by ClinVar (database versions not stated): gnomAD exomes below 0.00001.
gnomAD v4.1: 1 of 1,614,106 alleles (0.000062%); highest among the groups gnomAD compares: South Asian, 0.0011%; no homozygotes.

Submissions (2):

Ambry Genetics
Classification: Likely benign for Familial thoracic aortic aneurysm and aortic dissection. Last evaluated: 2024-10-22. Review status: criteria provided, single submitter. Criteria: Ambry Variant Classification Scheme 2023. Collection method: clinical testing. Allele origin: germline.

GeneDx
Classification: Likely benign. Last evaluated: 2016-12-22. Review status: criteria provided, single submitter. Criteria: GeneDx Variant Classification (06012015). Collection method: clinical testing. Allele origin: germline. Affected: yes.
Comment: This variant is considered likely benign or benign based on one or more of the following criteria: it is a conservative change, it occurs at a poorly conserved position in the protein, it is predicted to be benign by multiple in silico algorithms, and/or has population frequency not consistent with disease.